The following is an entry in ClinVar:

ClinVar aggregate classification (germline): Uncertain significance (1 of 4 stars; one submission).

Conditions:
Early-infantile DEE. Also called: Early infantile epileptic encephalopathy; Ohtahara syndrome; Early infantile epileptic encephalopathy with suppression bursts. Identifiers: Orphanet 1934, MedGen C0393706, MONDO:0800491.

Submission:

Labcorp Genetics (formerly Invitae), Labcorp
Classification: Uncertain significance for Early-infantile DEE. Last evaluated: 2025-01-30. Review status: criteria provided, single submitter. Criteria: Invitae Variant Classification Sherloc (09022015). Collection method: clinical testing. Allele origin: germline.
Comment: This sequence change replaces alanine, which is neutral and non-polar, with glutamic acid, which is acidic and polar, at codon 92 of the KCNQ2 protein (p.Ala92Glu). This variant is not present in population databases (gnomAD no frequency). This variant has not been reported in the literature in individuals affected with KCNQ2-related conditions. Invitae Evidence Modeling of protein sequence and biophysical properties (such as structural, functional, and spatial information, amino acid conservation, physicochemical variation, residue mobility, and thermodynamic stability) indicates that this missense variant is expected to disrupt KCNQ2 protein function with a positive predictive value of 95%. In summary, the available evidence is currently insufficient to determine the role of this variant in disease. Therefore, it has been classified as a Variant of Uncertain Significance.

NM_172107.4(KCNQ2):c.275C>A (p.Ala92Glu)

Gene: KCNQ2 (potassium voltage-gated channel subfamily Q member 2; minus strand). Cytogenetic location: 20q13.33.
Variant type: single nucleotide variant.
Coding change: c.275C>A on transcript NM_172107.4 (MANE Select); coding-DNA position 275, C replaced by A.
Protein change: p.Ala92Glu; replaces alanine 92 with glutamic acid.
Molecular consequence: missense variant.
Genome position (GRCh38, 1-based): chr20:63,472,189, G>T on the plus strand (C>A on the coding strand, the complement: KCNQ2 is on the minus strand). VCF-style: chr20-63472189-G-T. GRCh37 (hg19) VCF-style: chr20-62103542-G-T.
Other names: c.275C>A, p.Ala92Glu (NM_001382235.1, NM_004518.6, NM_172106.3 and 2 more transcripts); short protein forms A92E.
Identifiers: ClinVar variation 3637741 (VCV003637741.2).